The following is an entry in ClinVar:

NM_000051.4(ATM):c.661A>G (p.Arg221Gly)

Gene: ATM (ATM serine/threonine kinase; plus strand). Cytogenetic location: 11q22.3.
Variant type: single nucleotide variant.
Coding change: c.661A>G on transcript NM_000051.4 (MANE Select); coding-DNA position 661, A replaced by G.
Protein change: p.Arg221Gly; replaces arginine 221 with glycine.
Molecular consequence: missense variant.
Genome position (GRCh38, 1-based): chr11:108,244,117, A>G. VCF-style: chr11-108244117-A-G. GRCh37 (hg19) VCF-style: chr11-108114844-A-G.
Other names: c.661A>G, p.Arg221Gly (NM_001351834.2); short protein forms R221G.
Identifiers: ClinVar variation 1523360 (VCV001523360.12), dbSNP rs2135227474, ClinGen allele CA382528668.

ClinVar aggregate classification (germline): Uncertain significance. Review status: criteria provided, multiple submitters, no conflicts (2 of 4 stars). 3 submissions from 3 submitters: Uncertain significance (3). Last evaluated 2026-03-10.

Conditions:
Ataxia-telangiectasia syndrome (AT). Also called: AT, COMPLEMENTATION GROUP C; ATAXIA-TELANGIECTASIA, COMPLEMENTATION GROUP A; ATAXIA-TELANGIECTASIA, FRESNO VARIANT; Ataxia-telangiectasia; Ataxia-telangiectasia, complementation group D; Ataxia-telangiectasia, complementation group E. Identifiers: Orphanet 100, MedGen C0004135, MONDO:0008840, OMIM 208900.
Hereditary cancer-predisposing syndrome. Also called: Neoplastic Syndromes, Hereditary; Tumor predisposition; Hereditary Cancer Syndrome; Hereditary neoplastic syndrome. Identifiers: Orphanet 140162, MedGen C0027672, MeSH D009386, MONDO:0015356.
Familial cancer of breast. Also called: BREAST CANCER, FAMILIAL; Hereditary breast cancer; hereditary breast carcinoma. Identifiers: Orphanet 227535, MedGen C0346153, MONDO:0016419, OMIM 114480. Disease mechanism: loss of function.

Allele frequency attached by ClinVar (database versions not stated): gnomAD exomes below 0.00001.
gnomAD v4.1: 1 of 1,613,686 alleles (0.000062%); highest among the groups gnomAD compares: Non-Finnish European, 0.000085%; no homozygotes.

Submissions (3):

Ambry Genetics
Classification: Uncertain significance for Hereditary cancer-predisposing syndrome. Last evaluated: 2026-03-10. Review status: criteria provided, single submitter. Criteria: Ambry Variant Classification Scheme 2023. Collection method: clinical testing. Allele origin: germline.
Comment: The p.R221G variant (also known as c.661A>G), located in coding exon 5 of the ATM gene, results from an A to G substitution at nucleotide position 661. The arginine at codon 221 is replaced by glycine, an amino acid with dissimilar properties. This amino acid position is highly conserved in available vertebrate species. In an assay testing ATM function, this variant showed a functionally abnormal result (Lee KS et al. Cell 2025 Sep;188(18):5081-5099.e27). In addition, the in silico prediction for this alteration is inconclusive. Since supporting evidence is limited at this time, the clinical significance of this alteration remains unclear.

Baylor Genetics
Classification: Uncertain significance for Familial cancer of breast. Last evaluated: 2023-08-03. Review status: criteria provided, single submitter. Criteria: ACMG Guidelines, 2015. Collection method: clinical testing. Allele origin: unknown.

Labcorp Genetics (formerly Invitae), Labcorp
Classification: Uncertain significance for Ataxia-telangiectasia syndrome. Last evaluated: 2023-06-02. Review status: criteria provided, single submitter. Criteria: Invitae Variant Classification Sherloc (09022015). Collection method: clinical testing. Allele origin: germline.
Comment: In summary, the available evidence is currently insufficient to determine the role of this variant in disease. Therefore, it has been classified as a Variant of Uncertain Significance. Algorithms developed to predict the effect of sequence changes on RNA splicing suggest that this variant may disrupt the consensus splice site. An algorithm developed to predict the effect of missense changes on protein structure and function (PolyPhen-2) suggests that this variant is likely to be tolerated. ClinVar contains an entry for this variant (Variation ID: 1523360). This variant has not been reported in the literature in individuals affected with ATM-related conditions. This variant is not present in population databases (gnomAD no frequency). This sequence change replaces arginine, which is basic and polar, with glycine, which is neutral and non-polar, at codon 221 of the ATM protein (p.Arg221Gly).